The following is an entry in ClinVar:

ClinVar aggregate classification (germline): Uncertain significance (1 of 4 stars; one submission).

Conditions:
Dyskeratosis congenita. Identifiers: Orphanet 1775, MedGen C0265965, MONDO:0015780.

Allele frequency attached by ClinVar (database versions not stated): gnomAD 0.00001; gnomAD exomes 0.00001 and 0.00003; TOPMed 0.00002; ESP Exome Variant Server 0.00009.
gnomAD v4.1: 12 of 1,209,403 alleles (0.00099%); highest among the groups gnomAD compares: Admixed American, 0.0066%; no homozygotes.

Submission:

Labcorp Genetics (formerly Invitae), Labcorp
Classification: Uncertain significance for Dyskeratosis congenita. Last evaluated: 2026-01-22. Review status: criteria provided, single submitter. Criteria: Invitae Variant Classification Sherloc (09022015). Collection method: clinical testing. Allele origin: germline.
Comment: This sequence change replaces glycine, which is neutral and non-polar, with serine, which is neutral and polar, at codon 326 of the DKC1 protein (p.Gly326Ser). This variant is present in population databases (rs140273992, gnomAD 0.01%). This variant has not been reported in the literature in individuals affected with DKC1-related conditions. ClinVar contains an entry for this variant (Variation ID: 944001). Invitae Evidence Modeling of protein sequence and biophysical properties (such as structural, functional, and spatial information, amino acid conservation, physicochemical variation, residue mobility, and thermodynamic stability) indicates that this missense variant is not expected to disrupt DKC1 protein function with a negative predictive value of 80%. In summary, the available evidence is currently insufficient to determine the role of this variant in disease. Therefore, it has been classified as a Variant of Uncertain Significance.

NM_001363.5(DKC1):c.976G>A (p.Gly326Ser)

Gene: DKC1 (dyskerin pseudouridine synthase 1; plus strand). Cytogenetic location: Xq28.
Variant type: single nucleotide variant.
Coding change: c.976G>A on transcript NM_001363.5 (MANE Select); coding-DNA position 976, G replaced by A.
Protein change: p.Gly326Ser; replaces glycine 326 with serine.
Molecular consequence: missense variant. On other transcripts: non-coding transcript variant (3).
Genome position (GRCh38, 1-based): chrX:154,770,819, G>A. VCF-style: chrX-154770819-G-A. GRCh37 (hg19) VCF-style: chrX-153999094-G-A.
Other names: c.976G>A, p.Gly326Ser (NM_001142463.3, NM_001288747.2); short protein forms G326S.
Identifiers: ClinVar variation 944001 (VCV000944001.6), dbSNP rs140273992, ClinGen allele CA337310899.